The following is an entry in ClinVar:

NM_199420.4(POLQ):c.1686T>G (p.Ser562Arg)

Gene: POLQ (DNA polymerase theta; minus strand). Cytogenetic location: 3q13.33.
Variant type: single nucleotide variant.
Coding change: c.1686T>G on transcript NM_199420.4 (MANE Select); coding-DNA position 1686, T replaced by G.
Protein change: p.Ser562Arg; replaces serine 562 with arginine.
Molecular consequence: missense variant.
Genome position (GRCh38, 1-based): chr3:121,510,169, A>C on the plus strand (T>G on the coding strand, the complement: POLQ is on the minus strand). VCF-style: chr3-121510169-A-C. GRCh37 (hg19) VCF-style: chr3-121229016-A-C.
Other names: short protein forms S562R.
Identifiers: ClinVar variation 3229852 (VCV003229852.1), dbSNP rs370037814, ClinGen allele CA354115042.

ClinVar aggregate classification (germline): Uncertain significance (1 of 4 stars; one submission).

Submission:

Ambry Genetics
Classification: Uncertain significance. Last evaluated: 2023-12-01. Review status: criteria provided, single submitter. Criteria: Ambry Variant Classification Scheme 2023. Collection method: clinical testing. Allele origin: germline.
Comment: The p.S562R variant (also known as c.1686T>G), located in coding exon 11 of the POLQ gene, results from a T to G substitution at nucleotide position 1686. The serine at codon 562 is replaced by arginine, an amino acid with dissimilar properties. This amino acid position is conserved. In addition, this alteration is predicted to be tolerated by in silico analysis. Since supporting evidence is limited at this time, the clinical significance of this alteration remains unclear.